The following is an entry in ClinVar:

ClinVar aggregate classification (germline): Uncertain significance (1 of 4 stars; one submission).

Submission:

Labcorp Genetics (formerly Invitae), Labcorp
Classification: Uncertain significance. Last evaluated: 2019-03-22. Review status: criteria provided, single submitter. Criteria: Invitae Variant Classification Sherloc (09022015). Collection method: clinical testing. Allele origin: germline.
Comment: This sequence change replaces histidine with glutamine at codon 772 of the POLE protein (p.His772Gln). The histidine residue is moderately conserved and there is a small physicochemical difference between histidine and glutamine. This variant is not present in population databases (ExAC no frequency). In summary, the available evidence is currently insufficient to determine the role of this variant in disease. Therefore, it has been classified as a Variant of Uncertain Significance. Algorithms developed to predict the effect of missense changes on protein structure and function (SIFT, PolyPhen-2, Align-GVGD) all suggest that this variant is likely to be tolerated, but these predictions have not been confirmed by published functional studies and their clinical significance is uncertain. This variant has not been reported in the literature in individuals with POLE-related conditions.

NM_006231.4(POLE):c.2316C>A (p.His772Gln)

Gene: POLE (DNA polymerase epsilon, catalytic subunit; minus strand). Cytogenetic location: 12q24.33.
Variant type: single nucleotide variant.
Coding change: c.2316C>A on transcript NM_006231.4 (MANE Select); coding-DNA position 2316, C replaced by A.
Protein change: p.His772Gln; replaces histidine 772 with glutamine.
Molecular consequence: missense variant.
Genome position (GRCh38, 1-based): chr12:132,667,506, G>T on the plus strand (C>A on the coding strand, the complement: POLE is on the minus strand). VCF-style: chr12-132667506-G-T. GRCh37 (hg19) VCF-style: chr12-133244092-G-T.
Other names: short protein forms H772Q.
Identifiers: ClinVar variation 851478 (VCV000851478.9), dbSNP rs768883555, ClinGen allele CA387352069.